The following is an entry in ClinVar:

ClinVar aggregate classification (germline): Uncertain significance (1 of 4 stars; one submission).

gnomAD v4.1: 26 of 1,614,226 alleles (0.0016%); highest among the groups gnomAD compares: Non-Finnish European, 0.000085%; no homozygotes.

Submission:

Ambry Genetics
Classification: Uncertain significance. Last evaluated: 2024-12-20. Review status: criteria provided, single submitter. Criteria: Ambry Variant Classification Scheme 2023. Collection method: clinical testing. Allele origin: germline.
Comment: The p.S1365P variant (also known as c.4093T>C), located in coding exon 14 of the CDK12 gene, results from a T to C substitution at nucleotide position 4093. The serine at codon 1365 is replaced by proline, an amino acid with similar properties. This amino acid position is conserved. In addition, this alteration is predicted to be tolerated by in silico analysis. Based on the available evidence, the clinical significance of this variant remains unclear.

NM_016507.4(CDK12):c.4093T>C (p.Ser1365Pro)

Gene: CDK12 (cyclin dependent kinase 12; plus strand). Cytogenetic location: 17q12.
Variant type: single nucleotide variant.
Coding change: c.4093T>C on transcript NM_016507.4 (MANE Select); coding-DNA position 4093, T replaced by C.
Protein change: p.Ser1365Pro; replaces serine 1365 with proline.
Molecular consequence: missense variant.
Genome position (GRCh38, 1-based): chr17:39,530,936, T>C. VCF-style: chr17-39530936-T-C. GRCh37 (hg19) VCF-style: chr17-37687189-T-C.
Other names: c.4066T>C, p.Ser1356Pro (NM_015083.4); short protein forms S1365P, S1356P.
Identifiers: ClinVar variation 3830392 (VCV003830392.1).